The following is an entry in ClinVar:

NM_017780.4(CHD7):c.439C>G (p.Pro147Ala)

Gene: CHD7 (chromodomain helicase DNA binding protein 7; plus strand). Cytogenetic location: 8q12.2.
Variant type: single nucleotide variant.
Coding change: c.439C>G on transcript NM_017780.4 (MANE Select); coding-DNA position 439, C replaced by G.
Protein change: p.Pro147Ala; replaces proline 147 with alanine.
Molecular consequence: missense variant.
Genome position (GRCh38, 1-based): chr8:60,741,871, C>G. VCF-style: chr8-60741871-C-G. GRCh37 (hg19) VCF-style: chr8-61654430-C-G.
Other names: c.439C>G, p.Pro147Ala (NM_001316690.1); short protein forms P147A.
Identifiers: ClinVar variation 4527510 (VCV004527510.1).

ClinVar aggregate classification (germline): Uncertain significance (1 of 4 stars; one submission).

Submission:

GeneDx
Classification: Uncertain significance. Last evaluated: 2025-05-06. Review status: criteria provided, single submitter. Criteria: GeneDx Variant Classification Process June 2021. Collection method: clinical testing. Allele origin: germline. Affected: yes.
Comment: Not observed at significant frequency in large population cohorts (gnomAD); In silico analysis suggests that this missense variant does not alter protein structure/function; Has not been previously published as pathogenic or benign to our knowledge